The following is an entry in ClinVar:

NM_001267550.2(TTN):c.55525_55531del (p.Asp18509fs)

Genes: TTN (titin; minus strand), TTN-AS1 (TTN antisense RNA 1; plus strand). Cytogenetic location: 2q31.2.
Variant type: Deletion.
Coding change: c.55525_55531del on transcript NM_001267550.2 (MANE Select); coding-DNA positions 55525 to 55531, 7 bases deleted (GACAGGA; older notation c.55525_55531delGACAGGA).
Protein change: p.Asp18509fs; shifts the reading frame from aspartic acid 18509.
Molecular consequence: frameshift variant.
Genome position (GRCh38, 1-based): chr2:178,601,466-178,601,472, TCCTGTC deleted on the plus strand (GACAGGA on the coding strand, the reverse complement: TTN is on the minus strand); deleting any 7 consecutive bases within chr2:178,601,466-178,601,476 gives the same sequence; the c. name uses the placement nearest the transcript's 3' end. VCF-style (leftmost placement, unchanged base first): chr2-178601465-ATCCTGTC-A. GRCh37 (hg19) VCF-style: chr2-179466192-ATCCTGTC-A.
Other names: c.50602_50608del, p.Asp16868fs (NM_001256850.1); c.28330_28336del, p.Asp9444fs (NM_003319.4); c.47821_47827del, p.Asp15941fs (NM_133378.4); c.28705_28711del, p.Asp9569fs (NM_133432.3); c.28906_28912del, p.Asp9636fs (NM_133437.4); c.55525_55531delGACAGGA (LRG_391t1); short protein forms D9569fs, D16868fs, D18509fs, D9444fs, D15941fs, D9636fs.
Identifiers: ClinVar variation 223285 (VCV000223285.1), dbSNP rs869312052, ClinGen allele CA353154.
Genomic context (GRCh38, chr2:178,601,465, plus strand): 5'-GGATTGACTTTGGTCCAGGCTTTTCCATCAATAGTCCTCTTCTCAATAACATAGCCTTTG[ATCCTGTC>A]TCCTCCATCGTCGTCTGGCATCTTCCATGAAAGTCTGCAACTACCCCTTGTGATATCACT-3'

ClinVar aggregate classification (germline): Likely pathogenic (1 of 4 stars; one submission).

Conditions:
Primary dilated cardiomyopathy (DCM). Also called: Dilated Cardiomyopathy. Identifiers: Orphanet 217604, MedGen C0007193, MeSH D002311, MONDO:0005021, HP:0001644. Inheritance: Various modes of inheritance.

Submission:

Cardiovascular Biomedical Research Unit, Royal Brompton & Harefield NHS Foundation Trust
Classification: Likely pathogenic for Primary dilated cardiomyopathy. Last evaluated: 2014-10-08. Review status: criteria provided, single submitter. Criteria: Roberts et al. 2015. Collection method: research. Allele origin: germline. Inheritance: Autosomal dominant inheritance. Affected: yes. Observed: 2 variant alleles. Study: Unselected DCM.
Comment: This TTN truncating variant (TTNtv) was identified in two individuals in this cohort and is located in an exon that is highly expressed in the heart. In the seven cohorts assessed, TTNtv were found in 14% of ambulant DCM, 22% end-stage or familial DCM, and 2% controls. Heterozygous nonsense, frameshift and canonical splice-disrupting variants found in constitutive and other highly utilised exons are highly likely to be pathogenic when identified in individuals with phenotypically confirmed DCM. TTNtv found incidentally in healthy individuals (excluding familial assessment of DCM relatives) are thought to have low penetrance, particularly when identified in exons that are not constitutively expressed in the heart.